The following is an entry in ClinVar:

ClinVar aggregate classification (germline): Benign/Likely benign. Review status: criteria provided, multiple submitters, no conflicts (2 of 4 stars). 3 submissions from 3 submitters: Benign (1); Likely benign (2). Last evaluated 2024-11-26.

Conditions:
Inborn genetic diseases. Identifiers: MedGen C0950123, MeSH D030342.

Allele frequency attached by ClinVar (database versions not stated): gnomAD exomes 0.00017 and 0.00054; ExAC 0.00072; 1000 Genomes Project 0.00180; TOPMed 0.00198; gnomAD 0.00202 and 0.00212; 1000 Genomes Project 30x 0.00219; ESP Exome Variant Server 0.00254.
gnomAD v4.1: 568 of 1,614,116 alleles (0.035%); highest among the groups gnomAD compares: African/African-American, 0.67%; 1 homozygote.

Submissions (3):

Blueprint Genetics
Classification: Likely benign. Last evaluated: 2024-11-26. Review status: criteria provided, single submitter. Criteria: ACMG Guidelines, 2015. Collection method: clinical testing. Allele origin: germline.

Ambry Genetics
Classification: Likely benign for Inborn genetic diseases. Last evaluated: 2022-02-01. Review status: criteria provided, single submitter. Criteria: Ambry Variant Classification Scheme 2023. Collection method: clinical testing. Allele origin: germline.

GeneDx
Classification: Benign. Last evaluated: 2014-12-24. Review status: criteria provided, single submitter. Criteria: GeneDx Variant Classification (06012015). Collection method: clinical testing. Allele origin: germline. Affected: yes.
Comment: This variant is considered likely benign or benign based on one or more of the following criteria: it is a conservative change, it occurs at a poorly conserved position in the protein, it is predicted to be benign by multiple in silico algorithms, and/or has population frequency not consistent with disease.

NM_003119.4(SPG7):c.1324+4173C>T

Gene: SPG7 (SPG7 matrix AAA peptidase subunit, paraplegin; plus strand). Cytogenetic location: 16q24.3.
Variant type: single nucleotide variant.
Coding change: c.1324+4173C>T on transcript NM_003119.4 (MANE Select); 4173 bases into the intron after coding-DNA position 1324, C replaced by T.
Molecular consequence: intron variant. On other transcripts: missense variant (1).
Genome position (GRCh38, 1-based): chr16:89,536,809, C>T. VCF-style: chr16-89536809-C-T. GRCh37 (hg19) VCF-style: chr16-89603217-C-T.
Other names: c.1369C>T, p.Leu457Phe (NM_199367.3); c.1324+4173C>T (NM_001363850.1); short protein forms L457F.
Identifiers: ClinVar variation 215188 (VCV000215188.5), dbSNP rs144415749, ClinGen allele CA324218.